The following is an entry in ClinVar:

ClinVar aggregate classification (germline): Uncertain significance (1 of 4 stars; one submission).

Submission:

GeneDx
Classification: Uncertain significance. Last evaluated: 2025-03-26. Review status: criteria provided, single submitter. Criteria: GeneDx Variant Classification Process June 2021. Collection method: clinical testing. Allele origin: germline. Affected: yes.
Comment: Not observed at significant frequency in large population cohorts (gnomAD); In-frame deletion of 1 amino acid(s) in a non-repeat region; In silico analysis supports a deleterious effect on protein structure/function; Has not been previously published as pathogenic or benign to our knowledge

NM_015557.3(CHD5):c.4384_4386del (p.Lys1462del)

Gene: CHD5 (chromodomain helicase DNA binding protein 5; minus strand). Cytogenetic location: 1p36.31.
Variant type: Deletion.
Coding change: c.4384_4386del on transcript NM_015557.3 (MANE Select); coding-DNA positions 4384 to 4386, 3 bases deleted (AAG; older notation c.4384_4386delAAG).
Protein change: p.Lys1462del; deletes lysine 1462.
Genome position (GRCh38, 1-based): chr1:6,125,108-6,125,110, CTT deleted on the plus strand (AAG on the coding strand, the reverse complement: CHD5 is on the minus strand); deleting any 3 consecutive bases within chr1:6,125,108-6,125,112 gives the same sequence; the c. name uses the placement nearest the transcript's 3' end. VCF-style (leftmost placement, unchanged base first): chr1-6125107-CCTT-C. GRCh37 (hg19) VCF-style: chr1-6185167-CCTT-C.
Other names: short protein forms K1462del.
Identifiers: ClinVar variation 4088023 (VCV004088023.1).